The following is an entry in ClinVar:

ClinVar aggregate classification (germline): Uncertain significance (1 of 4 stars; one submission).

Conditions:
Hereditary sensory and autonomic neuropathy type 6. Also called: HSAN VI; Neuropathy, hereditary sensory and autonomic, type VI. Identifiers: Orphanet 314381, MedGen C3539003, MONDO:0013839, OMIM 614653.
Epidermolysis bullosa simplex 3, localized or generalized intermediate, with BP230 deficiency (EBS3). Also called: Epidermolysis bullosa simplex due to BP230 deficiency; Epidermolysis bullosa simplex, autosomal recessive 2. Identifiers: Orphanet 412181, MedGen C3809470, MONDO:0014180, OMIM 615425.

Allele frequency attached by ClinVar (database versions not stated): ExAC 0.00001; gnomAD 0.00001; gnomAD exomes 0.00001; TOPMed 0.00001.
gnomAD v4.1: 13 of 1,613,954 alleles (0.00081%); highest among the groups gnomAD compares: Middle Eastern, 0.016%; no homozygotes.

Submission:

Labcorp Genetics (formerly Invitae), Labcorp
Classification: Uncertain significance for Epidermolysis bullosa simplex, autosomal recessive 2; Neuropathy, hereditary sensory and autonomic, type VI. Last evaluated: 2019-01-22. Review status: criteria provided, single submitter. Criteria: Invitae Variant Classification Sherloc (09022015). Collection method: clinical testing. Allele origin: germline.
Comment: This sequence change replaces glycine with serine at codon 48 of the DST protein (p.Gly48Ser). The glycine residue is weakly conserved and there is a small physicochemical difference between glycine and serine. The frequency data for this variant in the population databases is considered unreliable, as metrics indicate poor data quality at this position in the ExAC database. This variant has not been reported in the literature in individuals with DST-related conditions. Algorithms developed to predict the effect of missense changes on protein structure and function (SIFT, PolyPhen-2, Align-GVGD) all suggest that this variant is likely to be tolerated, but these predictions have not been confirmed by published functional studies and their clinical significance is uncertain. In summary, the available evidence is currently insufficient to determine the role of this variant in disease. Therefore, it has been classified as a Variant of Uncertain Significance.

NM_001723.7(DST):c.142G>A (p.Gly48Ser)

Gene: DST (dystonin; minus strand). Cytogenetic location: 6p12.1.
Variant type: single nucleotide variant.
Coding change: c.142G>A on transcript NM_001723.7 (MANE Plus Clinical); coding-DNA position 142, G replaced by A.
Protein change: p.Gly48Ser; replaces glycine 48 with serine.
Molecular consequence: missense variant. On other transcripts: intron variant (9).
Genome position (GRCh38, 1-based): chr6:56,642,647, C>T on the plus strand (G>A on the coding strand, the complement: DST is on the minus strand). VCF-style: chr6-56642647-C-T. GRCh37 (hg19) VCF-style: chr6-56507445-C-T.
Other names: c.142G>A, p.Gly48Ser (NM_015548.5); c.1680-144G>A (NM_001144769.5); c.1779-144G>A (NM_001374722.1, NM_001374736.1); c.1806-144G>A (NM_001374734.1); c.1266-144G>A (NM_001144770.2); c.1146-144G>A (NM_001374730.1, NM_001386100.1, NM_183380.4 and 1 more transcripts); short protein forms G48S.
Identifiers: ClinVar variation 855053 (VCV000855053.1), dbSNP rs760112280, ClinGen allele CA3871583.